The following is an entry in ClinVar:

NM_002473.6(MYH9):c.5736C>T (p.Arg1912=)

Gene: MYH9 (myosin heavy chain 9; minus strand). Cytogenetic location: 22q12.3.
Variant type: single nucleotide variant.
Coding change: c.5736C>T on transcript NM_002473.6 (MANE Select); coding-DNA position 5736, C replaced by T.
Protein change: p.Arg1912=; no amino-acid change (arginine 1912 retained).
Molecular consequence: synonymous variant.
Genome position (GRCh38, 1-based): chr22:36,284,122, G>A on the plus strand (C>T on the coding strand, the complement: MYH9 is on the minus strand). VCF-style: chr22-36284122-G-A. GRCh37 (hg19) VCF-style: chr22-36680168-G-A.
Identifiers: ClinVar variation 1945867 (VCV001945867.6), dbSNP rs745743682, ClinGen allele CA10208948.
Genomic context (GRCh38, chr22:36,284,122, plus strand): 5'-GGCAAAGGGGCGGGTGGGCAGGGCGGCTCACCTGAGCTTGTTCTTTAGGGAGCTGACTTC[G>A]CGGTTCATGGCATCGGCCGTCTCAGTGGCGTCCTCCAGCTCGCGCTGCAGTTTCCGGCGG-3'
Protein context (NP_002464.1, residues 1902-1922): DATETADAMN[Arg1912=]EVSSLKNKLR

ClinVar aggregate classification (germline): Likely benign. Review status: criteria provided, multiple submitters, no conflicts (2 of 4 stars). 2 submissions from 2 submitters: Likely benign (2). Last evaluated 2026-07-01.

Allele frequency attached by ClinVar (database versions not stated): ExAC 0.00001; gnomAD exomes 0.00001; TOPMed 0.00001.
gnomAD v4.1: 13 of 1,614,182 alleles (0.00081%); highest among the groups gnomAD compares: East Asian, 0.0045%; no homozygotes.

Submissions (2):

CeGaT Center for Human Genetics Tuebingen
Classification: Likely benign. Last evaluated: 2026-07-01. Review status: criteria provided, single submitter. Criteria: CeGaT Center For Human Genetics Tuebingen Variant Classification Criteria Version 2. Collection method: clinical testing. Allele origin: germline. Affected: yes. Observed: 1 variant allele.
Comment: MYH9: BP4, BP7

Labcorp Genetics (formerly Invitae), Labcorp
Classification: Likely benign. Last evaluated: 2023-04-09. Review status: criteria provided, single submitter. Criteria: Invitae Variant Classification Sherloc (09022015). Collection method: clinical testing. Allele origin: germline.